The following is an entry in ClinVar:

NM_004568.6(SERPINB6):c.996C>T (p.Ala332=)

Gene: SERPINB6 (serpin family B member 6; minus strand). Cytogenetic location: 6p25.2.
Variant type: single nucleotide variant.
Coding change: c.996C>T on transcript NM_004568.6 (MANE Select); coding-DNA position 996, C replaced by T.
Protein change: p.Ala332=; no amino-acid change (alanine 332 retained).
Molecular consequence: synonymous variant. On other transcripts: non-coding transcript variant (1).
Genome position (GRCh38, 1-based): chr6:2,948,433, G>A on the plus strand (C>T on the coding strand, the complement: SERPINB6 is on the minus strand). VCF-style: chr6-2948433-G-A. GRCh37 (hg19) VCF-style: chr6-2948667-G-A.
Other names: c.1008C>T, p.Ala336= (NM_001195291.3, NM_001374515.1); c.1038C>T, p.Ala346= (NM_001271822.2); c.1053C>T, p.Ala351= (NM_001271823.2); c.996C>T, p.Ala332= (NM_001271824.2, NM_001271825.2, NM_001297699.2 and 2 more transcripts); c.864C>T, p.Ala288= (NM_001374517.1).
Identifiers: ClinVar variation 227940 (VCV000227940.17), dbSNP rs147792064, ClinGen allele CA3617377.

ClinVar aggregate classification (germline): Benign/Likely benign. Review status: criteria provided, multiple submitters, no conflicts (2 of 4 stars). 5 submissions from 5 submitters: Benign (1); Likely benign (4). Last evaluated 2025-10-14.

Allele frequency attached by ClinVar (database versions not stated): gnomAD 0.00036; TOPMed 0.00046; ESP Exome Variant Server 0.00054; ExAC 0.00056; gnomAD exomes 0.00074 and 0.00035.
gnomAD v4.1: 610 of 1,614,056 alleles (0.038%); highest among the groups gnomAD compares: South Asian, 0.011%; 2 homozygotes.

Submissions (5):

Labcorp Genetics (formerly Invitae), Labcorp
Classification: Benign. Last evaluated: 2025-10-14. Review status: criteria provided, single submitter. Criteria: Invitae Variant Classification Sherloc (09022015). Collection method: clinical testing. Allele origin: germline.

Blueprint Genetics
Classification: Likely benign. Last evaluated: 2024-10-23. Review status: criteria provided, single submitter. Criteria: ACMG Guidelines, 2015. Collection method: clinical testing. Allele origin: germline.

GeneDx
Classification: Likely benign. Last evaluated: 2021-11-04. Review status: criteria provided, single submitter. Criteria: GeneDx Variant Classification Process June 2021. Collection method: clinical testing. Allele origin: germline. Affected: yes.

Laboratory for Molecular Medicine, Mass General Brigham Personalized Medicine
Classification: Likely benign. Last evaluated: 2016-02-09. Review status: criteria provided, single submitter. Criteria: LMM Criteria. Collection method: clinical testing. Allele origin: germline. Observed: 1 variant allele.
Comment: p.Ala332Ala in exon 8 of SERPINB6: This variant is not expected to have clinical significance because it does not alter an amino acid residue, is not located wi thin the splice consensus sequence, and has been identified in 0.1% (65/66204) o f European chromosomes, including 1 homozygote, by the Exome Aggregation Consort ium (ExAC; dbSNP rs147792064).

Breakthrough Genomics
Classification: Likely benign. Review status: criteria provided, single submitter. Criteria: ACMG Guidelines, 2015. Collection method: not provided. Allele origin: germline. Inheritance: Autosomal recessive inheritance. Affected: yes.